The following is an entry in ClinVar:

NM_002439.5(MSH3):c.3142C>T (p.Gln1048Ter)

Gene: MSH3 (mutS homolog 3; plus strand). Cytogenetic location: 5q14.1.
Variant type: single nucleotide variant.
Coding change: c.3142C>T on transcript NM_002439.5 (MANE Select); coding-DNA position 3142, C replaced by T.
Protein change: p.Gln1048Ter; replaces glutamine 1048 with a stop codon.
Molecular consequence: nonsense.
Genome position (GRCh38, 1-based): chr5:80,873,127, C>T. VCF-style: chr5-80873127-C-T. GRCh37 (hg19) VCF-style: chr5-80168946-C-T.
Other names: c.3142C>T (NM_002439.3); short protein forms Q1048*.
Identifiers: ClinVar variation 1421325 (VCV001421325.7), dbSNP rs2112128589, ClinGen allele CA360346806.

ClinVar aggregate classification (germline): Pathogenic. Review status: criteria provided, multiple submitters, no conflicts (2 of 4 stars). 3 submissions from 3 submitters: Pathogenic (3). Last evaluated 2024-11-24.

Conditions:
Familial adenomatous polyposis 4 (FAP4). Also called: MSH3-related attenuated familial adenomatous polyposis. Identifiers: Orphanet 480536, MedGen C4310719, MONDO:0044300, OMIM 617100.
Hereditary cancer-predisposing syndrome. Also called: Neoplastic Syndromes, Hereditary; Hereditary Cancer Syndrome; Hereditary neoplastic syndrome; Tumor predisposition. Identifiers: Orphanet 140162, MedGen C0027672, MeSH D009386, MONDO:0015356.

Submissions (3):

Labcorp Genetics (formerly Invitae), Labcorp
Classification: Pathogenic. Last evaluated: 2024-11-24. Review status: criteria provided, single submitter. Criteria: Invitae Variant Classification Sherloc (09022015). Collection method: clinical testing. Allele origin: germline.
Comment: This sequence change creates a premature translational stop signal (p.Gln1048*) in the MSH3 gene. It is expected to result in an absent or disrupted protein product. Loss-of-function variants in MSH3 are known to be pathogenic (PMID: 27476653, 37402566). This variant is not present in population databases (gnomAD no frequency). This variant has not been reported in the literature in individuals affected with MSH3-related conditions. ClinVar contains an entry for this variant (Variation ID: 1421325). For these reasons, this variant has been classified as Pathogenic.

Ambry Genetics
Classification: Pathogenic for Hereditary cancer-predisposing syndrome. Last evaluated: 2024-06-07. Review status: criteria provided, single submitter. Criteria: Ambry Variant Classification Scheme 2023. Collection method: clinical testing. Allele origin: germline.
Comment: The p.Q1048* pathogenic mutation (also known as c.3142C>T), located in coding exon 23 of the MSH3 gene, results from a C to T substitution at nucleotide position 3142. This changes the amino acid from a glutamine to a stop codon within coding exon 23. This variant is considered to be rare based on population cohorts in the Genome Aggregation Database (gnomAD). This alteration is expected to result in loss of function by premature protein truncation or nonsense-mediated mRNA decay. As such, this alteration is interpreted as a disease-causing mutation.

Myriad Genetics, Inc.
Classification: Pathogenic for Familial adenomatous polyposis 4. Last evaluated: 2023-08-31. Review status: criteria provided, single submitter. Criteria: Myriad Autosomal Dominant, Autosomal Recessive and X-Linked Classification Criteria (2023). Collection method: clinical testing. Allele origin: unknown.
Comment: This variant is considered pathogenic. This variant creates a termination codon and is predicted to result in premature protein truncation.

Literature cited by the submitters: PubMed 27476653 (cited by Labcorp Genetics (formerly Invitae), Labcorp); PubMed 37402566 (cited by Labcorp Genetics (formerly Invitae), Labcorp).